The following is an entry in ClinVar:

ClinVar aggregate classification (germline): Conflicting classifications of pathogenicity. Review status: criteria provided, conflicting classifications (1 of 4 stars). 12 submissions from 11 submitters: Uncertain significance (9); Likely benign (1). 2 of the submissions do not count toward it. Last evaluated 2026-01-28.

Conditions:
Ataxia-telangiectasia syndrome (AT). Also called: Ataxia-telangiectasia, complementation group D; AT, COMPLEMENTATION GROUP C; ATAXIA-TELANGIECTASIA, COMPLEMENTATION GROUP A; ATAXIA-TELANGIECTASIA, FRESNO VARIANT; Ataxia-telangiectasia; LOUIS-BAR SYNDROME. Identifiers: Orphanet 100, MedGen C0004135, MONDO:0008840, OMIM 208900.
Hereditary cancer-predisposing syndrome. Also called: Hereditary Cancer Syndrome; Neoplastic Syndromes, Hereditary; Tumor predisposition; Hereditary neoplastic syndrome. Identifiers: Orphanet 140162, MedGen C0027672, MeSH D009386, MONDO:0015356.
Familial cancer of breast. Also called: BREAST CANCER, FAMILIAL; Hereditary breast cancer; hereditary breast carcinoma. Identifiers: Orphanet 227535, MedGen C0346153, MONDO:0016419, OMIM 114480. Disease mechanism: loss of function.

Allele frequency attached by ClinVar (database versions not stated): TOPMed 0.00001.
gnomAD v4.1: 20 of 1,613,906 alleles (0.0012%); highest among the groups gnomAD compares: Non-Finnish European, 0.0015%; no homozygotes.

Submissions (12):

Labcorp Genetics (formerly Invitae), Labcorp
Classification: Uncertain significance for Ataxia-telangiectasia syndrome. Last evaluated: 2026-01-28. Review status: criteria provided, single submitter. Criteria: Invitae Variant Classification Sherloc (09022015). Collection method: clinical testing. Allele origin: germline.
Comment: This sequence change replaces alanine, which is neutral and non-polar, with valine, which is neutral and non-polar, at codon 869 of the ATM protein (p.Ala869Val). This variant is present in population databases (rs145513717, gnomAD 0.003%). This variant has not been reported in the literature in individuals affected with ATM-related conditions. ClinVar contains an entry for this variant (Variation ID: 186608). Invitae Evidence Modeling of protein sequence and biophysical properties (such as structural, functional, and spatial information, amino acid conservation, physicochemical variation, residue mobility, and thermodynamic stability) indicates that this missense variant is not expected to disrupt ATM protein function with a negative predictive value of 95%. In summary, the available evidence is currently insufficient to determine the role of this variant in disease. Therefore, it has been classified as a Variant of Uncertain Significance.

Women's Health and Genetics/Laboratory Corporation of America, LabCorp
Classification: Uncertain significance. Last evaluated: 2026-01-23. Review status: criteria provided, single submitter. Criteria: LabCorp Variant Classification Summary - May 2015. Collection method: clinical testing. Allele origin: germline.
Comment: Variant summary: ATM c.2606C>T (p.Ala869Val) results in a non-conservative amino acid change in the encoded protein sequence. Algorithms developed to predict the effect of missense changes on protein structure and function are either unavailable or do not agree on the potential impact of this missense change. The variant allele was found at a frequency of 1.2e-05 in 251432 control chromosomes (gnomAD). The available data on variant occurrences in the general population are insufficient to allow any conclusion about variant significance. c.2606C>T has been reported in the literature in individuals affected with breast cancer (e.g. Dorling_2021), without strong evidence for causality. This report does not provide unequivocal conclusions about association of the variant with Prostate Cancer. To our knowledge, no experimental evidence demonstrating an impact on protein function has been reported. The following publication have been ascertained in the context of this evaluation (PMID: 33471991). ClinVar contains an entry for this variant (Variation ID: 186608). Based on the evidence outlined above, the variant was classified as uncertain significance.

Ambry Genetics
Classification: Likely benign for Hereditary cancer-predisposing syndrome. Last evaluated: 2025-05-30. Review status: criteria provided, single submitter. Criteria: Ambry Variant Classification Scheme 2023. Collection method: clinical testing. Allele origin: germline.

Color Diagnostics, LLC DBA Color Health
Classification: Uncertain significance for Hereditary cancer-predisposing syndrome. Last evaluated: 2024-09-04. Review status: criteria provided, single submitter. Criteria: ACMG Guidelines, 2015. Collection method: clinical testing. Allele origin: germline.
Comment: This missense variant replaces alanine with valine at codon 869 of the ATM protein. Computational prediction suggests that this variant may not impact protein structure and function. To our knowledge, functional studies have not been reported for this variant. In a large international case-control meta-analysis, this variant was reported in 2/60466 breast cancer cases and absent in 53461 controls (PMID: 33471991). This variant has been identified in 3/251432 chromosomes in the general population by the Genome Aggregation Database (gnomAD). The available evidence is insufficient to determine the role of this variant in disease conclusively. Therefore, this variant is classified as a Variant of Uncertain Significance.

Fulgent Genetics
Classification: Uncertain significance for Familial cancer of breast; Ataxia-telangiectasia syndrome. Last evaluated: 2024-06-05. Review status: criteria provided, single submitter. Criteria: ACMG Guidelines, 2015. Collection method: clinical testing. Allele origin: germline.

GeneDx
Classification: Uncertain significance. Last evaluated: 2024-03-29. Review status: criteria provided, single submitter. Criteria: GeneDx Variant Classification Process June 2021. Collection method: clinical testing. Allele origin: germline. Affected: yes.
Comment: Not observed at significant frequency in large population cohorts (gnomAD); In silico analysis supports that this missense variant does not alter protein structure/function; Observed in individuals with breast cancer, but also in unaffected controls (PMID: 28779002, 29684080, 33471991); This variant is associated with the following publications: (PMID: 28779002, 29684080, 33471991)

Baylor Genetics
Classification: Uncertain significance for Familial cancer of breast. Last evaluated: 2023-10-18. Review status: criteria provided, single submitter. Criteria: ACMG Guidelines, 2015. Collection method: clinical testing. Allele origin: unknown.

Revvity Omics, Revvity
Classification: Uncertain significance for Ataxia-telangiectasia syndrome. Last evaluated: 2023-03-22. Review status: criteria provided, single submitter. Criteria: ACMG Guidelines, 2015. Collection method: clinical testing. Allele origin: germline.

St. Jude Molecular Pathology, St. Jude Children's Research Hospital
Classification: Uncertain significance for Familial cancer of breast. Last evaluated: 2023-02-23. Review status: criteria provided, single submitter. Criteria: St. Jude Assertion Criteria 2020. Collection method: clinical testing. Allele origin: germline.
Comment: The ATM c.2606C>T (p.Ala869Val) missense change has a maximum subpopulation frequency of 0.0026% in gnomAD v2.1.1. The in silico tool REVEL predicts a benign effect on protein function, but to our knowledge this prediction has not been confirmed by functional studies. A case-control study of 13,087 breast cancer patients and 5,488 controls indicated that the variant is present in approximately equal proportions of cases and controls with an odds ratio of <1 (PMID: 28779002). This variant is absent in a database of women older than 70 years of age who have never had cancer (FLOSSIES database). To our knowledge, this variant has not been reported in individuals with ataxia telangiectasia. In summary, the evidence currently available is insufficient to determine the clinical significance of this variant. It has therefore been classified as of uncertain significance.

Baylor Genetics
Classification: Uncertain significance for Ataxia-telangiectasia syndrome. Last evaluated: 2020-02-28. Review status: criteria provided, single submitter. Criteria: ACMG Guidelines, 2015. Collection method: clinical testing. Allele origin: unknown. Affected: yes.
Comment: This variant was determined to be of uncertain significance according to ACMG Guidelines, 2015 [PMID:25741868].

Natera, Inc.
Classification: Uncertain significance for Ataxia-telangiectasia. Last evaluated: 2020-11-24. Review status: no assertion criteria provided. Collection method: clinical testing. Allele origin: germline. Not counted in ClinVar's aggregate classification.

Counsyl
Classification: Uncertain significance for Ataxia-telangiectasia syndrome. Last evaluated: 2017-01-24. Review status: no assertion criteria provided. Collection method: clinical testing. Allele origin: unknown. Not counted in ClinVar's aggregate classification.

Literature cited by the submitters: PubMed 33471991 (cited by Women's Health and Genetics/Laboratory Corporation of America, LabCorp and Color Diagnostics, LLC DBA Color Health); PubMed 28779002 (cited by Ambry Genetics); PubMed 29684080 (cited by Ambry Genetics).

NM_000051.4(ATM):c.2606C>T (p.Ala869Val)

Gene: ATM (ATM serine/threonine kinase; plus strand). Cytogenetic location: 11q22.3.
Variant type: single nucleotide variant.
Coding change: c.2606C>T on transcript NM_000051.4 (MANE Select); coding-DNA position 2606, C replaced by T.
Protein change: p.Ala869Val; replaces alanine 869 with valine.
Molecular consequence: missense variant.
Genome position (GRCh38, 1-based): chr11:108,267,310, C>T. VCF-style: chr11-108267310-C-T. GRCh37 (hg19) VCF-style: chr11-108138037-C-T.
Other names: c.2606C>T, p.Ala869Val (NM_001351834.2); short protein forms A869V.
Identifiers: ClinVar variation 186608 (VCV000186608.45), dbSNP rs145513717, ClinGen allele CA195312.